The following is an entry in ClinVar:

ClinVar aggregate classification (germline): Likely pathogenic (1 of 4 stars; one submission).

Submission:

GeneDx
Classification: Likely pathogenic. Last evaluated: 2026-02-05. Review status: criteria provided, single submitter. Criteria: GeneDx Variant Classification Process June 2021. Collection method: clinical testing. Allele origin: germline.
Comment: Frameshift variant predicted to result in protein truncation or nonsense mediated decay in a gene for which loss of function is a known mechanism of disease; Not observed at significant frequency in large population cohorts (gnomAD); Has not been previously published as pathogenic or benign to our knowledge

NM_002063.4(GLRA2):c.510_514dup (p.Cys172fs)

Gene: GLRA2 (glycine receptor alpha 2; plus strand). Cytogenetic location: Xp22.2.
Variant type: Duplication.
Coding change: c.510_514dup on transcript NM_002063.4 (MANE Select); coding-DNA positions 510 to 514, 5 bases duplicated (ATCCT; older notation c.510_514dupATCCT).
Protein change: p.Cys172fs; shifts the reading frame from cysteine 172.
Molecular consequence: frameshift variant.
Genome position (GRCh38, 1-based): chrX:14,604,330-14,604,334, ATCCT duplicated; duplicating any 5 consecutive bases within chrX:14,604,329-14,604,334 gives the same sequence; the c. name uses the placement nearest the transcript's 3' end. VCF-style (leftmost placement, unchanged base first): chrX-14604328-T-TTATCC. GRCh37 (hg19) VCF-style: chrX-14622450-T-TTATCC.
Other names: c.510_514dup, p.Cys172fs (NM_001118885.2, NM_001118886.2); c.243_247dup, p.Cys83fs (NM_001171942.2); short protein forms C172fs, C83fs.
Identifiers: ClinVar variation 4975696 (VCV004975696.1).
Genomic context (GRCh38, chrX:14,604,328, plus strand): 5'-CTTCATAGATTTAAAAATGGTTTTTAATTTTTTTTTTGTTTGCTAAGACTCACCTTGACC[T>TTATCC]TATCCTGTCCCATGGACTTGAAGAACTTTCCGATGGATGTCCAGACCTGTACAATGCAGC-3'